The following is an entry in ClinVar:

ClinVar aggregate classification (germline): Uncertain significance (1 of 4 stars; one submission).

Submission:

Labcorp Genetics (formerly Invitae), Labcorp
Classification: Uncertain significance. Last evaluated: 2023-07-26. Review status: criteria provided, single submitter. Criteria: Invitae Variant Classification Sherloc (09022015). Collection method: clinical testing. Allele origin: germline.
Comment: In summary, the available evidence is currently insufficient to determine the role of this variant in disease. Therefore, it has been classified as a Variant of Uncertain Significance. This variant has not been reported in the literature in individuals affected with SLC39A7-related conditions. Experimental studies and prediction algorithms are not available or were not evaluated, and the functional significance of this variant is currently unknown. This variant is not present in population databases (gnomAD no frequency). This sequence change creates a premature translational stop signal (p.Ala306Glyfs*20) in the SLC39A7 gene. It is expected to result in an absent or disrupted protein product. However, the current clinical and genetic evidence is not sufficient to establish whether loss-of-function variants in SLC39A7 cause disease.

NM_006979.3(SLC39A7):c.917_918del (p.Ala306fs)

Gene: SLC39A7 (solute carrier family 39 member 7; plus strand). Cytogenetic location: 6p21.32.
Variant type: Deletion.
Coding change: c.917_918del on transcript NM_006979.3 (MANE Select); coding-DNA positions 917 to 918, 2 bases deleted (CT; older notation c.917_918delCT).
Protein change: p.Ala306fs; shifts the reading frame from alanine 306.
Molecular consequence: frameshift variant.
Genome position (GRCh38, 1-based): chr6:33,202,677-33,202,678, CT deleted. VCF-style (leftmost placement, unchanged base first): chr6-33202676-GCT-G. GRCh37 (hg19) VCF-style: chr6-33170453-GCT-G.
Other names: c.917_918del, p.Ala306fs (NM_001077516.2); c.542_543del, p.Ala181fs (NM_001288777.2); short protein forms A306fs, A181fs.
Identifiers: ClinVar variation 2994419 (VCV002994419.3), dbSNP rs2535788036, ClinGen allele CA2740091325.